The following is an entry in ClinVar:

ClinVar aggregate classification (germline): Benign/Likely benign. Review status: criteria provided, multiple submitters, no conflicts (2 of 4 stars). 3 submissions from 3 submitters: Benign (1); Likely benign (2). Last evaluated 2025-10-02.

Conditions:
Hereditary cancer-predisposing syndrome. Also called: Tumor predisposition; Hereditary neoplastic syndrome; Hereditary Cancer Syndrome; Neoplastic Syndromes, Hereditary. Identifiers: Orphanet 140162, MedGen C0027672, MeSH D009386, MONDO:0015356.
BAP1-related tumor predisposition syndrome (TPDS1). Also called: Tumor susceptibility linked to germline BAP1 mutations; BAP1 tumor predisposition syndrome; TUMOR PREDISPOSITION SYNDROME 1; COMMON Syndrome. Identifiers: Orphanet 289539, MedGen C3280492, MONDO:0013692, OMIM 614327.

Submissions (3):

Labcorp Genetics (formerly Invitae), Labcorp
Classification: Likely benign for BAP1-related tumor predisposition syndrome. Last evaluated: 2025-10-02. Review status: criteria provided, single submitter. Criteria: Invitae Variant Classification Sherloc (09022015). Collection method: clinical testing. Allele origin: germline.

Myriad Genetics, Inc.
Classification: Benign for BAP1-related tumor predisposition syndrome. Last evaluated: 2024-07-15. Review status: criteria provided, single submitter. Criteria: Myriad Autosomal Dominant, Autosomal Recessive and X-Linked Classification Criteria (2023). Collection method: clinical testing. Allele origin: unknown.
Comment: This variant is considered benign. This variant is a silent/synonymous amino acid change and it is not expected to impact splicing.

Ambry Genetics
Classification: Likely benign for Hereditary cancer-predisposing syndrome. Last evaluated: 2024-03-10. Review status: criteria provided, single submitter. Criteria: Ambry Variant Classification Scheme 2023. Collection method: clinical testing. Allele origin: germline.

NM_004656.4(BAP1):c.765A>T (p.Val255=)

Gene: BAP1 (BRCA1 associated deubiquitinase 1; minus strand). Cytogenetic location: 3p21.1.
Variant type: single nucleotide variant.
Coding change: c.765A>T on transcript NM_004656.4 (MANE Select); coding-DNA position 765, A replaced by T.
Protein change: p.Val255=; no amino-acid change (valine 255 retained).
Molecular consequence: synonymous variant.
Genome position (GRCh38, 1-based): chr3:52,406,271, T>A on the plus strand (A>T on the coding strand, the complement: BAP1 is on the minus strand). VCF-style: chr3-52406271-T-A. GRCh37 (hg19) VCF-style: chr3-52440287-T-A.
Other names: c.711A>T, p.Val237= (NM_001410772.1).
Identifiers: ClinVar variation 3224479 (VCV003224479.3), dbSNP rs1222530223, ClinGen allele CA433776144.